The following is an entry in ClinVar:

ClinVar aggregate classification (germline): Likely benign (1 of 4 stars; one submission).

Allele frequency attached by ClinVar (database versions not stated): 1000 Genomes Project 0.00120; 1000 Genomes Project 30x 0.00125; TOPMed 0.00308; gnomAD 0.00328; ESP Exome Variant Server 0.00338; ExAC 0.00346; gnomAD exomes 0.00369.
gnomAD v4.1: 5,788 of 1,558,128 alleles (0.37%); highest among the groups gnomAD compares: Middle Eastern, 1.9%; 30 homozygotes.

Submission:

CeGaT Center for Human Genetics Tuebingen
Classification: Likely benign. Last evaluated: 2026-05-01. Review status: criteria provided, single submitter. Criteria: CeGaT Center For Human Genetics Tuebingen Variant Classification Criteria Version 2. Collection method: clinical testing. Allele origin: germline. Affected: yes. Observed: 6 variant alleles.
Comment: AK9: BP4, BP7, BS2

NM_001145128.3(AK9):c.1116A>G (p.Leu372=)

Gene: AK9 (adenylate kinase 9; minus strand). Cytogenetic location: 6q21.
Variant type: single nucleotide variant.
Coding change: c.1116A>G on transcript NM_001145128.3 (MANE Select); coding-DNA position 1116, A replaced by G.
Protein change: p.Leu372=; no amino-acid change (leucine 372 retained).
Molecular consequence: synonymous variant. On other transcripts: non-coding transcript variant (1).
Genome position (GRCh38, 1-based): chr6:109,633,061, T>C on the plus strand (A>G on the coding strand, the complement: AK9 is on the minus strand). VCF-style: chr6-109633061-T-C. GRCh37 (hg19) VCF-style: chr6-109954264-T-C.
Other names: c.1116A>G, p.Leu372= (NM_001329602.2, NM_145025.5); c.1332A>G, p.Leu444= (NM_001329603.2).
Identifiers: ClinVar variation 2656831 (VCV002656831.24), dbSNP rs139521783, ClinGen allele CA3955260.